The following is an entry in ClinVar:

NM_002439.5(MSH3):c.2006G>A (p.Arg669Gln)

Gene: MSH3 (mutS homolog 3; plus strand). Cytogenetic location: 5q14.1.
Variant type: single nucleotide variant.
Coding change: c.2006G>A on transcript NM_002439.5 (MANE Select); coding-DNA position 2006, G replaced by A.
Protein change: p.Arg669Gln; replaces arginine 669 with glutamine.
Molecular consequence: missense variant.
Genome position (GRCh38, 1-based): chr5:80,768,042, G>A. VCF-style: chr5-80768042-G-A. GRCh37 (hg19) VCF-style: chr5-80063861-G-A.
Other names: short protein forms R669Q.
Identifiers: ClinVar variation 654902 (VCV000654902.24), dbSNP rs372048303, ClinGen allele CA3328111.

ClinVar aggregate classification (germline): Conflicting classifications of pathogenicity. Review status: criteria provided, conflicting classifications (1 of 4 stars). 10 submissions from 10 submitters: Uncertain significance (8); Likely benign (2). Last evaluated 2026-09-17.

Conditions:
MSH3-related disorder. Also called: MSH3-related condition.
Familial adenomatous polyposis 4 (FAP4). Also called: MSH3-related attenuated familial adenomatous polyposis. Identifiers: Orphanet 480536, MedGen C4310719, MONDO:0044300, OMIM 617100.
Hereditary cancer-predisposing syndrome. Also called: Tumor predisposition; Hereditary neoplastic syndrome; Hereditary Cancer Syndrome; Neoplastic Syndromes, Hereditary. Identifiers: Orphanet 140162, MedGen C0027672, MeSH D009386, MONDO:0015356.
Endometrial carcinoma. Also called: Endometrial carcinoma, somatic. Identifiers: MedGen C0476089, MONDO:0002447, OMIM 608089, HP:0012114.

Allele frequency attached by ClinVar (database versions not stated): ExAC 0.00002; gnomAD exomes 0.00002; gnomAD 0.00003; TOPMed 0.00003; ESP Exome Variant Server 0.00008.
gnomAD v4.1: 72 of 1,613,448 alleles (0.0045%); highest among the groups gnomAD compares: Admixed American, 0.0067%; no homozygotes.

Submissions (10):

PreventionGenetics, part of Exact Sciences
Classification: Uncertain significance for MSH3-related condition. Last evaluated: 2026-09-17. Review status: criteria provided, single submitter. Criteria: ACMG Guidelines, 2015. Collection method: clinical testing. Allele origin: germline.
Comment: The MSH3 c.2006G>A variant is predicted to result in the amino acid substitution p.Arg669Gln. To our knowledge, this variant has not been reported in the literature. This variant is reported in 0.0087% of alleles in individuals of Latino descent in gnomAD and has conflicting interpretations in ClinVar ranging from likely benign to uncertain significance (Variation ID: 654902). At this time, the clinical significance of this variant is uncertain due to the absence of conclusive functional and genetic evidence.

Labcorp Genetics (formerly Invitae), Labcorp
Classification: Uncertain significance. Last evaluated: 2026-02-02. Review status: criteria provided, single submitter. Criteria: Invitae Variant Classification Sherloc (09022015). Collection method: clinical testing. Allele origin: germline.
Comment: This sequence change replaces arginine, which is basic and polar, with glutamine, which is neutral and polar, at codon 669 of the MSH3 protein (p.Arg669Gln). This variant is present in population databases (rs372048303, gnomAD 0.009%). This variant has not been reported in the literature in individuals affected with MSH3-related conditions. ClinVar contains an entry for this variant (Variation ID: 654902). An algorithm developed to predict the effect of missense changes on protein structure and function outputs the following: PolyPhen-2: "Benign". The glutamine amino acid residue is found in multiple mammalian species, which suggests that this missense change does not adversely affect protein function. RNA analysis performed to evaluate the impact of this missense change on mRNA splicing indicates it does not significantly alter splicing (internal data). In summary, the available evidence is currently insufficient to determine the role of this variant in disease. Therefore, it has been classified as a Variant of Uncertain Significance.

GeneDx
Classification: Uncertain significance. Last evaluated: 2025-07-28. Review status: criteria provided, single submitter. Criteria: GeneDx Variant Classification Process June 2021. Collection method: clinical testing. Allele origin: germline. Affected: yes.
Comment: Not observed at significant frequency in large population cohorts (gnomAD); In silico analysis suggests that this missense variant does not alter protein structure/function; Has not been previously published as pathogenic or benign to our knowledge

Dasa
Classification: Uncertain significance. Last evaluated: 2025-03-17. Review status: criteria provided, single submitter. Criteria: DASA Assertion Criteria. Collection method: clinical testing. Allele origin: germline.
Comment: NM_002439.5(MSH3):c.2006G>A (p.Arg669Gln) is a missense variant that results in the substitution of arginine with glutamine. This variant is rare in population databases. Computational prediction algorithms are consistent with a benign effect. The currently available literature and clinical evidence are not sufficient to establish a definitive association between this variant and the reported condition. Therefore, this variant is classified as a variant of uncertain significance.

Center for Genomic Medicine, Rigshospitalet, Copenhagen University Hospital
Classification: Uncertain significance. Last evaluated: 2025-03-04. Review status: criteria provided, single submitter. Criteria: ACMG Guidelines, 2015. Collection method: clinical testing. Allele origin: germline.

Quest Diagnostics Nichols Institute San Juan Capistrano
Classification: Uncertain significance. Last evaluated: 2025-02-04. Review status: criteria provided, single submitter. Criteria: Quest Diagnostics criteria. Collection method: clinical testing. Allele origin: unknown.
Comment: The MSH3 c.2006G>A (p.Arg669Gln) variant has not been reported in individuals with MSH3-related conditions in the published literature. The frequency of this variant in the general population (Genome Aggregation Database) is uninformative in the assessment of its pathogenicity. Analysis of this variant using bioinformatics tools for the prediction of the effect of amino acid changes on protein structure and function yielded predictions that this variant is benign. Based on the available information, we are unable to determine the clinical significance of this variant.

St. Jude Molecular Pathology, St. Jude Children's Research Hospital
Classification: Uncertain significance for Familial adenomatous polyposis 4. Last evaluated: 2023-10-24. Review status: criteria provided, single submitter. Criteria: St. Jude Assertion Criteria 2020. Collection method: clinical testing. Allele origin: germline.
Comment: The MSH3 c.2006G>A (p.Arg669Gln) missense change has a maximum subpopulation frequency of 0.0087% in gnomAD v2.1.1. The in silico tool REVEL predicts a benign effect on protein function, but to our knowledge this prediction has not been confirmed by functional studies. To our knowledge, this variant has not been reported in individuals with MSH3-associated familial adenomatous polyposis. In summary, the evidence currently available is insufficient to determine the clinical significance of this variant. It has therefore been classified as of uncertain significance.

Ambry Genetics
Classification: Likely benign for Hereditary cancer-predisposing syndrome. Last evaluated: 2023-02-15. Review status: criteria provided, single submitter. Criteria: Ambry Variant Classification Scheme 2023. Collection method: clinical testing. Allele origin: germline.

Department of Pathology and Laboratory Medicine, Sinai Health System
Classification: Uncertain significance for Endometrial carcinoma; Familial adenomatous polyposis 4. Last evaluated: 2023-01-13. Review status: criteria provided, single submitter. Criteria: ACMG Guidelines, 2015. Collection method: clinical testing. Allele origin: germline. Affected: no.

Blueprint Genetics
Classification: Likely benign. Last evaluated: 2022-12-07. Review status: criteria provided, single submitter. Criteria: ACMG Guidelines, 2015. Collection method: clinical testing. Allele origin: germline.